The following is an entry in ClinVar:

NM_000234.3(LIG1):c.707A>G (p.Lys236Arg)

Gene: LIG1 (DNA ligase 1; minus strand). Cytogenetic location: 19q13.33.
Variant type: single nucleotide variant.
Coding change: c.707A>G on transcript NM_000234.3 (MANE Select); coding-DNA position 707, A replaced by G.
Protein change: p.Lys236Arg; replaces lysine 236 with arginine.
Molecular consequence: missense variant. On other transcripts: non-coding transcript variant (6).
Genome position (GRCh38, 1-based): chr19:48,149,832, T>C on the plus strand (A>G on the coding strand, the complement: LIG1 is on the minus strand). VCF-style: chr19-48149832-T-C. GRCh37 (hg19) VCF-style: chr19-48653089-T-C.
Other names: c.614A>G, p.Lys205Arg (NM_001289063.2); c.503A>G, p.Lys168Arg (NM_001289064.2); c.704A>G, p.Lys235Arg (NM_001320970.2); c.617A>G, p.Lys206Arg (NM_001320971.2); short protein forms K235R, K168R, K205R, K206R, K236R.
Identifiers: ClinVar variation 1375466 (VCV001375466.6), dbSNP rs772316584, ClinGen allele CA9547151.
Genomic context (GRCh38, chr19:48,149,832, plus strand): 5'-GCTCCCTCCTTTCCTGGAGCCCCTGGCTCCTCTTCCTTCACTTCTTTTTTGACTGCTGGC[T>C]TCCGGGGGGCTAGGAATGAAGACAGAAAACAGTGGGTCTTTTCTCCTTCCGGTAGCCCCC-3'
Protein context (NP_000225.1, residues 226-246): KTLSSFFTPR[Lys236Arg]PAVKKEVKEE

ClinVar aggregate classification (germline): Uncertain significance (1 of 4 stars; one submission).

Allele frequency attached by ClinVar (database versions not stated): gnomAD exomes below 0.00001 and 0.00001; ExAC 0.00001; gnomAD 0.00001; TOPMed 0.00001.

Submission:

Labcorp Genetics (formerly Invitae), Labcorp
Classification: Uncertain significance. Last evaluated: 2022-08-23. Review status: criteria provided, single submitter. Criteria: Invitae Variant Classification Sherloc (09022015). Collection method: clinical testing. Allele origin: germline.
Comment: In summary, the available evidence is currently insufficient to determine the role of this variant in disease. Therefore, it has been classified as a Variant of Uncertain Significance. Algorithms developed to predict the effect of missense changes on protein structure and function are either unavailable or do not agree on the potential impact of this missense change (SIFT: "Tolerated"; PolyPhen-2: "Probably Damaging"; Align-GVGD: "Class C0"). ClinVar contains an entry for this variant (Variation ID: 1375466). This variant has not been reported in the literature in individuals affected with LIG1-related conditions. This variant is present in population databases (rs772316584, gnomAD 0.007%). This sequence change replaces lysine, which is basic and polar, with arginine, which is basic and polar, at codon 236 of the LIG1 protein (p.Lys236Arg).